The following is an entry in ClinVar:

ClinVar aggregate classification (germline): Uncertain significance (1 of 4 stars; one submission).

Submission:

GeneDx
Classification: Uncertain significance. Last evaluated: 2022-06-10. Review status: criteria provided, single submitter. Criteria: GeneDx Variant Classification Process June 2021. Collection method: clinical testing. Allele origin: germline. Affected: yes.
Comment: Not observed at significant frequency in large population cohorts (gnomAD); Canonical splice site variant in a gene or region of a gene for which loss of function is not a well-established mechanism of disease; Has not been previously published as pathogenic or benign to our knowledge; Variants in candidate genes are classified as variants of uncertain significance in accordance with ACMG guidelines (Richards et al., 2015)

NM_006421.5(ARFGEF1):c.3421+1G>T

Gene: ARFGEF1 (ARF guanine nucleotide exchange factor 1; minus strand). Cytogenetic location: 8q13.2.
Variant type: single nucleotide variant.
Coding change: c.3421+1G>T on transcript NM_006421.5 (MANE Select); the canonical splice donor site of the intron after coding-DNA position 3421, G replaced by T.
Molecular consequence: splice donor variant.
Genome position (GRCh38, 1-based): chr8:67,228,223, C>A on the plus strand (G>T on the coding strand, the complement: ARFGEF1 is on the minus strand). VCF-style: chr8-67228223-C-A. GRCh37 (hg19) VCF-style: chr8-68140458-C-A.
Other names: c.3421+1G>T (NM_001413186.1, NM_001413187.1, NM_001413185.1 and 6 more transcripts); c.2821+1G>T (NM_001413188.1, NM_001413197.1, NM_001413193.1); c.1996+1G>T (NM_001413196.1); c.3415+1G>T (NM_001413190.1).
Identifiers: ClinVar variation 1804274 (VCV001804274.1), dbSNP rs2491372129, ClinGen allele CA371201700.
Genomic context (GRCh38, chr8:67,228,223, plus strand): 5'-CAACATTAAAGTTATTTTAGCCCCAAGCCAGTTCCGAAGTAGAATAAATGCCCATACTTA[C>A]CAATGGCATTTCCATCTAGCCTTGTAGATCCTGTGAATATTCTAGGGAAAATAAAACACA-3'